The following is an entry in ClinVar:

ClinVar aggregate classification (germline): Uncertain significance. Review status: criteria provided, multiple submitters, no conflicts (2 of 4 stars). 2 submissions from 2 submitters: Uncertain significance (2). Last evaluated 2020-10-09.

Conditions:
Hereditary cancer-predisposing syndrome. Also called: Neoplastic Syndromes, Hereditary; Tumor predisposition; Hereditary neoplastic syndrome; Hereditary Cancer Syndrome. Identifiers: Orphanet 140162, MedGen C0027672, MeSH D009386, MONDO:0015356.

Allele frequency attached by ClinVar (database versions not stated): gnomAD exomes below 0.00001.
gnomAD v4.1: 1 of 1,613,782 alleles (0.000062%); highest among the groups gnomAD compares: Non-Finnish European, 0.000085%; no homozygotes.

Submissions (2):

Women's Health and Genetics/Laboratory Corporation of America, LabCorp
Classification: Uncertain significance. Last evaluated: 2020-10-09. Review status: criteria provided, single submitter. Criteria: LabCorp Variant Classification Summary - May 2015. Collection method: clinical testing. Allele origin: germline.
Comment: Variant summary: APC c.6001A>G (p.Lys2001Glu) results in a conservative amino acid change in the encoded protein sequence. Five of five in-silico tools predict a benign effect of the variant on protein function. The variant was absent in 250002 control chromosomes (gnomAD). The available data on variant occurrences in the general population are insufficient to allow any conclusion about variant significance. To our knowledge, no occurrence of c.6001A>G in individuals affected with Familial Adenomatous Polyposis and no experimental evidence demonstrating its impact on protein function have been reported. One ClinVar submitter (evaluation after 2014) cite the variant as uncertain significance. Based on the evidence outlined above, the variant was classified as uncertain significance.

Ambry Genetics
Classification: Uncertain significance for Hereditary cancer-predisposing syndrome. Last evaluated: 2019-09-19. Review status: criteria provided, single submitter. Criteria: Ambry Variant Classification Scheme 2023. Collection method: clinical testing. Allele origin: germline.
Comment: The p.K2001E variant (also known as c.6001A>G), located in coding exon 15 of the APC gene, results from an A to G substitution at nucleotide position 6001. The lysine at codon 2001 is replaced by glutamic acid, an amino acid with similar properties. This amino acid position is not well conserved in available vertebrate species. In addition, in silico predictors for this gene do not accurately predict pathogenicity. Since supporting evidence is limited at this time, the clinical significance of this alteration remains unclear.

NM_000038.6(APC):c.6001A>G (p.Lys2001Glu)

Gene: APC (APC regulator of Wnt signaling pathway; plus strand). Cytogenetic location: 5q22.2.
Variant type: single nucleotide variant.
Coding change: c.6001A>G on transcript NM_000038.6 (MANE Select); coding-DNA position 6001, A replaced by G.
Protein change: p.Lys2001Glu; replaces lysine 2001 with glutamic acid.
Molecular consequence: missense variant.
Genome position (GRCh38, 1-based): chr5:112,841,595, A>G. VCF-style: chr5-112841595-A-G. GRCh37 (hg19) VCF-style: chr5-112177292-A-G.
Other names: c.6001A>G, p.Lys2001Glu (NM_001127510.3, NM_001354895.2); c.5947A>G, p.Lys1983Glu (NM_001127511.3); c.6055A>G, p.Lys2019Glu (NM_001354896.2); c.6031A>G, p.Lys2011Glu (NM_001354897.2); c.5926A>G, p.Lys1976Glu (NM_001354898.2); c.5917A>G, p.Lys1973Glu (NM_001354899.2); c.5878A>G, p.Lys1960Glu (NM_001354900.2); c.5824A>G, p.Lys1942Glu (NM_001354901.2); and 5 more; short protein forms K1841E, K1900E, K1983E, K1875E, K2001E, K2019E, K1718E, K1910E.
Identifiers: ClinVar variation 826124 (VCV000826124.5), dbSNP rs1580666566, ClinGen allele CA16034465.